The following is an entry in ClinVar:

NM_000465.4(BARD1):c.1639_1667del (p.Glu547fs)

Gene: BARD1 (BRCA1 associated RING domain 1; minus strand). Cytogenetic location: 2q35.
Variant type: Deletion.
Coding change: c.1639_1667del on transcript NM_000465.4 (MANE Select); coding-DNA positions 1639 to 1667, 29 bases deleted (GAGAAGAATGAATCATCCTCAGCTAGCCA).
Protein change: p.Glu547fs; shifts the reading frame from glutamic acid 547.
Molecular consequence: frameshift variant. On other transcripts: non-coding transcript variant (3), intron variant (1).
Genome position (GRCh38, 1-based): chr2:214,752,457-214,752,485, TGGCTAGCTGAGGATGATTCATTCTTCTC deleted on the plus strand (GAGAAGAATGAATCATCCTCAGCTAGCCA on the coding strand, the reverse complement: BARD1 is on the minus strand); deleting any 29 consecutive bases within chr2:214,752,457-214,752,488 gives the same sequence; the c. name uses the placement nearest the transcript's 3' end. VCF-style (leftmost placement, unchanged base first): chr2-214752456-GTGGCTAGCTGAGGATGATTCATTCTTCTC-G. GRCh37 (hg19) VCF-style: chr2-215617180-GTGGCTAGCTGAGGATGATTCATTCTTCTC-G.
Other names: c.1582_1610del, p.Glu528fs (NM_001282543.2); c.286_314del, p.Glu96fs (NM_001282545.2); c.229_257del, p.Glu77fs (NM_001282548.2); c.365-21977_365-21949del (NM_001282549.2); short protein forms E528fs, E547fs, E77fs, E96fs.
Identifiers: ClinVar variation 2583385 (VCV002583385.2), dbSNP rs2469377567, ClinGen allele CA2582342069.

ClinVar aggregate classification (germline): Pathogenic (1 of 4 stars; one submission).

Conditions:
Familial cancer of breast. Also called: Hereditary breast cancer; BREAST CANCER, FAMILIAL; hereditary breast carcinoma. Identifiers: Orphanet 227535, MedGen C0346153, MONDO:0016419, OMIM 114480. Disease mechanism: loss of function.

Submission:

Myriad Genetics, Inc.
Classification: Pathogenic for Familial cancer of breast. Last evaluated: 2023-05-23. Review status: criteria provided, single submitter. Criteria: Myriad Autosomal Dominant, Autosomal Recessive and X-Linked Classification Criteria (2023). Collection method: clinical testing. Allele origin: unknown.
Comment: This variant is considered pathogenic. This variant creates a frameshift predicted to result in premature protein truncation.